The following is an entry in ClinVar:

ClinVar aggregate classification (germline): Uncertain significance (1 of 4 stars; one submission).

Conditions:
SH2B1-related disorder. Also called: SH2B1-related condition.

Submission:

PreventionGenetics, part of Exact Sciences
Classification: Uncertain significance for SH2B1-related condition. Last evaluated: 2025-08-15. Review status: criteria provided, single submitter. Criteria: ACMG Guidelines, 2015. Collection method: clinical testing. Allele origin: germline.
Comment: The SH2B1 c.176G>C variant is predicted to result in the amino acid substitution p.Gly59Ala. To our knowledge, this variant has not been reported in the literature or in a large population database (gnomAD), indicating this variant is rare. A different missense variant affecting this amino acid (p.Gly59Trp) has been reported in an obese individual (Flores et al. 2019. PubMed ID: 31439647). At this time, the clinical significance of this variant is uncertain due to the absence of conclusive functional and genetic evidence.

NM_001387430.1(SH2B1):c.176G>C (p.Gly59Ala)

Gene: SH2B1 (SH2B adaptor protein 1; plus strand). Cytogenetic location: 16p11.2.
Variant type: single nucleotide variant.
Coding change: c.176G>C on transcript NM_001387430.1 (MANE Select); coding-DNA position 176, G replaced by C.
Protein change: p.Gly59Ala; replaces glycine 59 with alanine.
Molecular consequence: missense variant. On other transcripts: intron variant (1).
Genome position (GRCh38, 1-based): chr16:28,866,270, G>C. VCF-style: chr16-28866270-G-C. GRCh37 (hg19) VCF-style: chr16-28877591-G-C.
Other names: c.176G>C, p.Gly59Ala (NM_001145795.2, NM_001145796.2, NM_001145797.2 and 4 more transcripts); c.-26-1104G>C (NM_001308294.2); short protein forms G59A.
Identifiers: ClinVar variation 4984161 (VCV004984161.1).
Genomic context (GRCh38, chr16:28,866,270, plus strand): 5'-TGGACTTTGCCCGCCGTTTTCGCCTCTACCTGGCCTCCCACCCCCAATATGCGGGGCCCG[G>C]GGCCGAGGCTGCCTTCTCCCGCCGTTTTGCTGAGCTCTTCCTGCAGCACTTTGAAGCCGA-3'
Protein context (NP_001374359.1, residues 49-69): LASHPQYAGP[Gly59Ala]AEAAFSRRFA